The following is an entry in ClinVar:

ClinVar aggregate classification (germline): Uncertain significance. Review status: criteria provided, multiple submitters, no conflicts (2 of 4 stars). 6 submissions from 6 submitters: Uncertain significance (6). Last evaluated 2025-02-02.

Conditions:
Cardiomyopathy (CMYO). Also called: Cardiomyopathies. Identifiers: Orphanet 167848, MedGen C0878544, MONDO:0004994, HP:0001638. Inheritance: Various modes of inheritance.
Primary dilated cardiomyopathy (DCM). Also called: Dilated Cardiomyopathy. Identifiers: Orphanet 217604, MedGen C0007193, MeSH D002311, MONDO:0005021, HP:0001644. Inheritance: Various modes of inheritance.
Hypertrophic cardiomyopathy 26. Also called: Cardiomyopathy, familial hypertrophic, 26. Identifiers: Orphanet 75249, MedGen C4310749, MONDO:0014883, OMIM 617047.
Distal myopathy with posterior leg and anterior hand involvement. Also called: WILLIAMS DISTAL MYOPATHY. Identifiers: Orphanet 63273, MedGen C3279722, MONDO:0013550, OMIM 614065.
Myofibrillar myopathy 5. Also called: Filaminopathy (type); FILAMINOPATHY, AUTOSOMAL DOMINANT. Identifiers: Orphanet 171445, MedGen C1836050, MONDO:0012289, OMIM 609524.
Cardiovascular phenotype. Identifiers: MedGen CN230736.

Allele frequency attached by ClinVar (database versions not stated): gnomAD 0.00001; TOPMed 0.00002.
gnomAD v4.1: 35 of 1,614,008 alleles (0.0022%); highest among the groups gnomAD compares: East Asian, 0.0045%; no homozygotes.

Submissions (6):

Labcorp Genetics (formerly Invitae), Labcorp
Classification: Uncertain significance for Distal myopathy with posterior leg and anterior hand involvement; Myofibrillar myopathy 5; Hypertrophic cardiomyopathy 26. Last evaluated: 2025-02-02. Review status: criteria provided, single submitter. Criteria: Invitae Variant Classification Sherloc (09022015). Collection method: clinical testing. Allele origin: germline.
Comment: This sequence change replaces arginine, which is basic and polar, with cysteine, which is neutral and slightly polar, at codon 490 of the FLNC protein (p.Arg490Cys). This variant is not present in population databases (gnomAD no frequency). This variant has not been reported in the literature in individuals affected with FLNC-related conditions. ClinVar contains an entry for this variant (Variation ID: 1479172). Invitae Evidence Modeling of protein sequence and biophysical properties (such as structural, functional, and spatial information, amino acid conservation, physicochemical variation, residue mobility, and thermodynamic stability) has been performed for this missense variant. However, the output from this modeling did not meet the statistical confidence thresholds required to predict the impact of this variant on FLNC protein function. In summary, the available evidence is currently insufficient to determine the role of this variant in disease. Therefore, it has been classified as a Variant of Uncertain Significance.

CeGaT Center for Human Genetics Tuebingen
Classification: Uncertain significance. Last evaluated: 2025-02-01. Review status: criteria provided, single submitter. Criteria: CeGaT Center For Human Genetics Tuebingen Variant Classification Criteria Version 2. Collection method: clinical testing. Allele origin: germline. Affected: yes. Observed: 1 variant allele.
Comment: FLNC: PP3

Molecular Genetics, Royal Melbourne Hospital
Classification: Uncertain significance for Primary dilated cardiomyopathy. Last evaluated: 2023-03-30. Review status: criteria provided, single submitter. Criteria: ACMG Guidelines, 2015. Collection method: clinical testing. Allele origin: germline.
Comment: This sequence change in FLNC is predicted to replace arginine with cysteine at codon 490, p.(Arg490Cys). The arginine residue is highly conserved (100 vertebrates, UCSC), and is located in the ROD1 Ig-like 3 domain. There is a large physicochemical difference between arginine and cysteine. This variant is absent from gnomAD v2.1 and v3.1. To our knowledge, this variant has not been reported in the literature in any individuals with FLNC-related disorders. Multiple lines of computational evidence predict a deleterious effect for the missense substitution (6/6 algorithms). Based on the classification scheme RMH Modified ACMG Guidelines v1.4.0, this variant is classified as a VARIANT OF UNCERTAIN SIGNIFICANCE. Following criteria are met: PM2_Supporting, PP3.

Ambry Genetics
Classification: Uncertain significance for Cardiovascular phenotype. Last evaluated: 2022-04-11. Review status: criteria provided, single submitter. Criteria: Ambry Variant Classification Scheme 2023. Collection method: clinical testing. Allele origin: germline.
Comment: The p.R490C variant (also known as c.1468C>T), located in coding exon 9 of the FLNC gene, results from a C to T substitution at nucleotide position 1468. The arginine at codon 490 is replaced by cysteine, an amino acid with highly dissimilar properties. This amino acid position is conserved. In addition, this alteration is predicted to be deleterious by in silico analysis. Since supporting evidence is limited at this time, the clinical significance of this alteration remains unclear.

CHEO Genetics Diagnostic Laboratory, Children's Hospital of Eastern Ontario
Classification: Uncertain significance for Cardiomyopathy. Last evaluated: 2021-11-29. Review status: criteria provided, single submitter. Criteria: ACMG Guidelines, 2015. Collection method: clinical testing. Allele origin: germline.

Blueprint Genetics
Classification: Uncertain significance. Last evaluated: 2021-08-17. Review status: criteria provided, single submitter. Criteria: ACMG Guidelines, 2015. Collection method: clinical testing. Allele origin: germline.

NM_001458.5(FLNC):c.1468C>T (p.Arg490Cys)

Gene: FLNC (filamin C; plus strand). Cytogenetic location: 7q32.1.
Variant type: single nucleotide variant.
Coding change: c.1468C>T on transcript NM_001458.5 (MANE Select); coding-DNA position 1468, C replaced by T.
Protein change: p.Arg490Cys; replaces arginine 490 with cysteine.
Molecular consequence: missense variant.
Genome position (GRCh38, 1-based): chr7:128,840,079, C>T. VCF-style: chr7-128840079-C-T. GRCh37 (hg19) VCF-style: chr7-128480133-C-T.
Other names: c.1468C>T, p.Arg490Cys (NM_001127487.2); short protein forms R490C.
Identifiers: ClinVar variation 1479172 (VCV001479172.28), dbSNP rs1422233407, ClinGen allele CA369225616.